The following is an entry in ClinVar:

NM_025179.4(PLXNA2):c.3713C>G (p.Ala1238Gly)

Gene: PLXNA2 (plexin A2; minus strand). Cytogenetic location: 1q32.2.
Variant type: single nucleotide variant.
Coding change: c.3713C>G on transcript NM_025179.4 (MANE Select); coding-DNA position 3713, C replaced by G.
Protein change: p.Ala1238Gly; replaces alanine 1238 with glycine.
Molecular consequence: missense variant.
Genome position (GRCh38, 1-based): chr1:208,044,669, G>C on the plus strand (C>G on the coding strand, the complement: PLXNA2 is on the minus strand). VCF-style: chr1-208044669-G-C. GRCh37 (hg19) VCF-style: chr1-208218014-G-C.
Other names: short protein forms A1238G.
Identifiers: ClinVar variation 1962776 (VCV001962776.5), dbSNP rs2526475590, ClinGen allele CA344563626.
Genomic context (GRCh38, chr1:208,044,669, plus strand): 5'-ATGAGGACGATGATGACGATGATGAGGAGGAGGCTGCCGCCGGCCGCGATGCTGACGATG[G>C]CTGGCAGGGTCAGCAAGCTGTCTGAGATGACACTCACCGAGCCAGGCGAGAACACCATCC-3'
Protein context (NP_079455.3, residues 1228-1248): VISDSLLTLP[Ala1238Gly]IVSIAAGGSL

ClinVar aggregate classification (germline): Uncertain significance (1 of 4 stars; one submission).

Submission:

Labcorp Genetics (formerly Invitae), Labcorp
Classification: Uncertain significance. Last evaluated: 2023-02-21. Review status: criteria provided, single submitter. Criteria: Invitae Variant Classification Sherloc (09022015). Collection method: clinical testing. Allele origin: germline.
Comment: This sequence change replaces alanine, which is neutral and non-polar, with glycine, which is neutral and non-polar, at codon 1238 of the PLXNA2 protein (p.Ala1238Gly). This variant is not present in population databases (gnomAD no frequency). This variant has not been reported in the literature in individuals affected with PLXNA2-related conditions. Advanced modeling of protein sequence and biophysical properties (such as structural, functional, and spatial information, amino acid conservation, physicochemical variation, residue mobility, and thermodynamic stability) performed at Invitae indicates that this missense variant is not expected to disrupt PLXNA2 protein function. Algorithms developed to predict the effect of sequence changes on RNA splicing suggest that this variant may create or strengthen a splice site. In summary, the available evidence is currently insufficient to determine the role of this variant in disease. Therefore, it has been classified as a Variant of Uncertain Significance.